The following is an entry in ClinVar:

NM_001370658.1(BTD):c.1448_1452del (p.Gly483fs)

Gene: BTD (biotinidase; plus strand). Cytogenetic location: 3p25.1.
Variant type: Deletion.
Coding change: c.1448_1452del on transcript NM_001370658.1 (MANE Select); coding-DNA positions 1448 to 1452, 5 bases deleted (GGATG; older notation c.1448_1452delGGATG).
Protein change: p.Gly483fs; shifts the reading frame from glycine 483.
Molecular consequence: frameshift variant. On other transcripts: intron variant (8).
Genome position (GRCh38, 1-based): chr3:15,645,364-15,645,368, GGATG deleted; deleting any 5 consecutive bases within chr3:15,645,363-15,645,368 gives the same sequence; the c. name uses the placement nearest the transcript's 3' end. VCF-style (leftmost placement, unchanged base first): chr3-15645362-AGGGAT-A. GRCh37 (hg19) VCF-style: chr3-15686869-AGGGAT-A.
Other names: c.1508_1512del (NM_000060.4); c.1448_1452del, p.Gly483fs (NM_001407372.1, NM_001407373.1, NM_001407374.1 and 16 more transcripts); c.1015+433_1015+437del (NM_001370752.1, NM_001407379.1); c.399+3307_399+3311del (NM_001370753.1, NM_001407400.1, NM_001407380.1 and 3 more transcripts); c.1508_1512del5 (NM_000060.2); short protein forms G483fs.
Identifiers: ClinVar variation 92399 (VCV000092399.13), dbSNP rs398123138, ClinGen allele CA220319.

ClinVar aggregate classification (germline): Pathogenic/Likely pathogenic. Review status: criteria provided, multiple submitters, no conflicts (2 of 4 stars). 6 submissions from 6 submitters: Pathogenic (4); Likely pathogenic (1). 1 of the submissions does not count toward it. Last evaluated 2025-12-13.

Conditions:
Biotinidase deficiency. Also called: BTD deficiency; Late-onset biotin-responsive multiple carboxylase deficiency; Biotin deficiency. Identifiers: Orphanet 79241, MedGen C0220754, MONDO:0009665, OMIM 253260.

Submissions (6):

Labcorp Genetics (formerly Invitae), Labcorp
Classification: Pathogenic for Biotinidase deficiency. Last evaluated: 2025-12-13. Review status: criteria provided, single submitter. Criteria: Invitae Variant Classification Sherloc (09022015). Collection method: clinical testing. Allele origin: germline.
Comment: This sequence change creates a premature translational stop signal (p.Gly503Aspfs*6) in the BTD gene. While this is not anticipated to result in nonsense mediated decay, it is expected to disrupt the last 41 amino acid(s) of the BTD protein. This variant is not present in population databases (gnomAD no frequency). This premature translational stop signal has been observed in individual(s) with biotinidase deficiency (PMID: 26361991). ClinVar contains an entry for this variant (Variation ID: 92399). This variant disrupts a region of the BTD protein in which other variant(s) (p.Asp543Glu) have been determined to be pathogenic (PMID: 22698809, 25174816, 25967232, 28498829). This suggests that this is a clinically significant region of the protein, and that variants that disrupt it are likely to be disease-causing. For these reasons, this variant has been classified as Pathogenic.

Natera, Inc.
Classification: Likely pathogenic for Biotinidase deficiency. Last evaluated: 2024-11-15. Review status: criteria provided, single submitter. Criteria: Natera Variant Classification Schema (03/2026). Collection method: clinical testing. Allele origin: germline.
Comment: The c.1448_1452del variant in BTD is a frameshift variant predicted to shift the reading frame beginning at codon 483 and leads to a stop codon 6 codons downstream. This variant is expected to result in nonsense mediated decay, truncation, or a dysfunctional protein product. This variant is rare in the general population with a frequency below the threshold expected for the associated phenotype(s). This variant has been observed in one or more individuals affected with the associated recessive disease, as either homozygous or compound heterozygous with a second variant (PMID: 33083013). Given the available evidence, this variant is classified as Likely Pathogenic.

Baylor Genetics
Classification: Pathogenic for Biotinidase deficiency. Last evaluated: 2023-06-26. Review status: criteria provided, single submitter. Criteria: ACMG Guidelines, 2015. Collection method: clinical testing. Allele origin: unknown.

Eurofins Ntd Llc (ga)
Classification: Pathogenic. Last evaluated: 2013-04-04. Review status: criteria provided, single submitter. Criteria: EGL Classification Definitions. Collection method: clinical testing. Allele origin: germline. Observed: 3 variant alleles, 3 heterozygotes.

CENTOGENE GmbH and LLC - Guiding Precision Medicine
Classification: Pathogenic for Biotinidase deficiency. Review status: criteria provided, single submitter. Criteria: ACMG Guidelines, 2015. Collection method: clinical testing. Allele origin: germline. Affected: yes.

Counsyl
Classification: Pathogenic for Biotinidase deficiency. Last evaluated: 2018-03-05. Review status: no assertion criteria provided. Collection method: clinical testing. Allele origin: unknown. Not counted in ClinVar's aggregate classification.

Literature cited by the submitters: PubMed 26361991 (cited by Labcorp Genetics (formerly Invitae), Labcorp and Counsyl); PubMed 22698809 (cited by Labcorp Genetics (formerly Invitae), Labcorp); PubMed 25174816 (cited by Labcorp Genetics (formerly Invitae), Labcorp); PubMed 25967232 (cited by Labcorp Genetics (formerly Invitae), Labcorp); PubMed 28498829 (cited by Labcorp Genetics (formerly Invitae), Labcorp); PubMed 33083013 (cited by Natera, Inc.).